The following is an entry in ClinVar:

ClinVar aggregate classification (germline): Conflicting classifications of pathogenicity. Review status: criteria provided, conflicting classifications (1 of 4 stars). 5 submissions from 5 submitters: Pathogenic (2); Likely pathogenic (2); Uncertain significance (1). Last evaluated 2024-06-28.

Conditions:
Isovaleryl-CoA dehydrogenase deficiency (IVA). Also called: Isovaleric acidemia; Classic Isovaleric Acidemia; ISOVALERIC ACID CoA DEHYDROGENASE DEFICIENCY; IVD DEFICIENCY. Identifiers: Orphanet 33, MedGen C0268575, MONDO:0009475, OMIM 243500.

Allele frequency attached by ClinVar (database versions not stated): ExAC 0.00001.
gnomAD v4.1: 4 of 1,614,216 alleles (0.00025%); highest among the groups gnomAD compares: African/African-American, 0.0013%; no homozygotes.

Submissions (5):

Natera, Inc.
Classification: Likely pathogenic for Isovaleryl-coa dehydrogenase deficiency. Last evaluated: 2024-06-28. Review status: criteria provided, single submitter. Criteria: Natera Variant Classification Schema (03/2026). Collection method: clinical testing. Allele origin: germline.
Comment: The c.1231G>A variant in IVD is a missense variant predicted to cause substitution of glutamic acid to lysine at amino acid 411. This variant is rare in the general population with a frequency below the threshold expected for the associated phenotype(s). This variant has been observed in one or more individuals affected with the associated recessive disease, as either homozygous or compound heterozygous with a second variant (PMID: 22960500, 26018748, 33496032, 25220015). Additionally, this variant has been observed to segregate in affected family members (PMID: 25220015). Computational prediction algorithms indicate this variant is likely to affect gene or protein function. Given the available evidence, this variant is classified as Likely Pathogenic.

Fulgent Genetics
Classification: Pathogenic for Isovaleryl-CoA dehydrogenase deficiency. Last evaluated: 2024-05-11. Review status: criteria provided, single submitter. Criteria: ACMG Guidelines, 2015. Collection method: clinical testing. Allele origin: germline.

Women's Health and Genetics/Laboratory Corporation of America, LabCorp
Classification: Pathogenic for Isovaleryl-CoA dehydrogenase deficiency. Last evaluated: 2024-05-06. Review status: criteria provided, single submitter. Criteria: LabCorp Variant Classification Summary - May 2015. Collection method: clinical testing. Allele origin: germline.
Comment: Variant summary: IVD c.1222G>A (p.Glu408Lys) results in a conservative amino acid change located in the Acyl-CoA dehydrogenase/oxidase, C-terminal domain (IPR009075) of the encoded protein sequence. Four of five in-silico tools predict a damaging effect of the variant on protein function. The variant allele was found at a frequency of 8e-06 in 251484 control chromosomes. c.1222G>A has been reported in the literature as biallelic homozygous or compound heterozygous genotypes in multiple individuals affected with Isovaleryl-CoA Dehydrogenase Deficiency (e.g. Sakamoto_2015, Hertecant_2012, Ozgul_2014, Mutze_2021). These data indicate that the variant is very likely to be associated with disease. This variant is also known as p.E411K and c.1132G>A. The following publications have been ascertained in the context of this evaluation (PMID: 22960500, 33496032, 25220015, 26018748). ClinVar contains an entry for this variant (Variation ID: 1444290). Based on the evidence outlined above, the variant was classified as pathogenic.

Baylor Genetics
Classification: Likely pathogenic for Isovaleryl-CoA dehydrogenase deficiency. Last evaluated: 2024-01-16. Review status: criteria provided, single submitter. Criteria: ACMG Guidelines, 2015. Collection method: clinical testing. Allele origin: unknown.

Labcorp Genetics (formerly Invitae), Labcorp
Classification: Uncertain significance for Isovaleryl-CoA dehydrogenase deficiency. Last evaluated: 2021-08-30. Review status: criteria provided, single submitter. Criteria: Invitae Variant Classification Sherloc (09022015). Collection method: clinical testing. Allele origin: germline.
Comment: This sequence change replaces glutamic acid with lysine at codon 411 of the IVD protein (p.Glu411Lys). The glutamic acid residue is highly conserved and there is a small physicochemical difference between glutamic acid and lysine. This variant is present in population databases (rs755693286, ExAC 0.001%). This missense change has been observed in individuals with isovaleric acidemia (PMID: 22960500, 26018748). This variant is also known as p.E408K. Algorithms developed to predict the effect of missense changes on protein structure and function (SIFT, PolyPhen-2, Align-GVGD) all suggest that this variant is likely to be disruptive. In summary, the available evidence is currently insufficient to determine the role of this variant in disease. Therefore, it has been classified as a Variant of Uncertain Significance.

Literature cited by the submitters: PubMed 22960500 (cited by 3 submitters); PubMed 26018748 (cited by 3 submitters); PubMed 33496032 (cited by Natera, Inc. and Women's Health and Genetics/Laboratory Corporation of America, LabCorp); PubMed 25220015 (cited by Natera, Inc. and Women's Health and Genetics/Laboratory Corporation of America, LabCorp).

NM_002225.5(IVD):c.1222G>A (p.Glu408Lys)

Gene: IVD (isovaleryl-CoA dehydrogenase; plus strand). Cytogenetic location: 15q15.1.
Variant type: single nucleotide variant.
Coding change: c.1222G>A on transcript NM_002225.5 (MANE Select); coding-DNA position 1222, G replaced by A.
Protein change: p.Glu408Lys; replaces glutamic acid 408 with lysine.
Molecular consequence: missense variant. On other transcripts: intron variant (3).
Genome position (GRCh38, 1-based): chr15:40,418,213, G>A. VCF-style: chr15-40418213-G-A. GRCh37 (hg19) VCF-style: chr15-40710412-G-A.
Other names: c.1132G>A, p.Glu378Lys (NM_001159508.3); c.1174G>A, p.Glu392Lys (NM_001354597.3); c.1309G>A, p.Glu437Lys (NM_001354599.3); c.1225+1851G>A (NM_001354600.3); c.1138+1851G>A (NM_001354598.3, NM_001354601.3); c.1231G>A (NM_002225.3); short protein forms E378K, E392K, E437K, E408K.
Identifiers: ClinVar variation 1444290 (VCV001444290.9), dbSNP rs755693286, ClinGen allele CA7480922.
Genomic context (GRCh38, chr15:40,418,213, plus strand): 5'-TTTCCCATGGGCCGCTTTCTTCGAGATGCCAAGCTGTATGAGATAGGGGCTGGGACCAGC[G>A]AGGTGAGGCGGCTGGTCATCGGCAGAGCCTTCAATGCAGACTTTCACTAGTCCTGAGACC-3'
Protein context (NP_002216.3, residues 398-418): KLYEIGAGTS[Glu408Lys]VRRLVIGRAF